The following is an entry in ClinVar:

ClinVar aggregate classification (germline): Likely benign (1 of 4 stars; one submission).

Conditions:
Neurofibromatosis, type 2 (SWNV). Also called: NF2-Related Schwannomatosis; BILATERAL ACOUSTIC NEUROFIBROMATOSIS; SCHWANNOMATOSIS, VESTIBULAR. Identifiers: Orphanet 637, MedGen C0027832, MONDO:0007039, OMIM 101000. Disease mechanism: loss of function.

Submission:

All of Us Research Program, National Institutes of Health
Classification: Likely benign for Neurofibromatosis, type 2. Last evaluated: 2024-07-29. Review status: criteria provided, single submitter. Criteria: ACMG Guidelines, 2015. Collection method: clinical testing. Allele origin: germline. Inheritance: Autosomal dominant inheritance. Observed: 1 variant allele, 1 heterozygote.
Comment: This study involves interpretation of variants in research participants for the purpose of population health screening. Participant phenotype was not available at the time of variant classification. Additional details can be found in publication PMID: 35346344, PMCID: PMC8962531

NM_000268.4(NF2):c.816T>C (p.Thr272=)

Gene: NF2 (NF2, moesin-ezrin-radixin like (MERLIN) tumor suppressor; plus strand). Cytogenetic location: 22q12.2.
Variant type: single nucleotide variant.
Coding change: c.816T>C on transcript NM_000268.4 (MANE Select); coding-DNA position 816, T replaced by C.
Protein change: p.Thr272=; no amino-acid change (threonine 272 retained).
Molecular consequence: synonymous variant. On other transcripts: non-coding transcript variant (1), intron variant (1).
Genome position (GRCh38, 1-based): chr22:29,664,995, T>C. VCF-style: chr22-29664995-T-C. GRCh37 (hg19) VCF-style: chr22-30060984-T-C.
Other names: c.447+22710T>C (NM_181833.3); c.702T>C, p.Thr234= (NM_001407053.1, NM_001407056.1); c.693T>C, p.Thr231= (NM_001407054.1, NM_001407058.1, NM_181829.3); c.690T>C, p.Thr230= (NM_001407055.1, NM_181828.3); c.681T>C, p.Thr227= (NM_001407057.1, NM_001407059.1); c.816T>C, p.Thr272= (NM_001407060.1, NM_001407066.1, NM_016418.5 and 2 more transcripts); c.558T>C, p.Thr186= (NM_001407062.1); c.567T>C, p.Thr189= (NM_001407063.1, NM_001407064.1, NM_181830.3 and 1 more transcripts); and 2 more.
Identifiers: ClinVar variation 3387400 (VCV003387400.1).